The following is an entry in ClinVar:

ClinVar aggregate classification (germline): Conflicting classifications of pathogenicity. Review status: criteria provided, conflicting classifications (1 of 4 stars). 3 submissions from 3 submitters: Uncertain significance (1); Likely benign (2). Last evaluated 2025-11-28.

Conditions:
DZIP1L-related disorder. Also called: DZIP1L-related condition.

Allele frequency attached by ClinVar (database versions not stated): gnomAD exomes 0.00009 and 0.00017; ExAC 0.00020; gnomAD 0.00074 and 0.00078; ESP Exome Variant Server 0.00077; TOPMed 0.00086; 1000 Genomes Project 30x 0.00109; 1000 Genomes Project 0.00120.
gnomAD v4.1: 250 of 1,613,026 alleles (0.015%); highest among the groups gnomAD compares: African/African-American, 0.26%; no homozygotes.

Submissions (3):

Labcorp Genetics (formerly Invitae), Labcorp
Classification: Likely benign. Last evaluated: 2025-11-28. Review status: criteria provided, single submitter. Criteria: Invitae Variant Classification Sherloc (09022015). Collection method: clinical testing. Allele origin: germline.

PreventionGenetics, part of Exact Sciences
Classification: Likely benign for DZIP1L-related condition. Last evaluated: 2024-12-17. Review status: criteria provided, single submitter. Criteria: ACMG Guidelines, 2015. Collection method: clinical testing. Allele origin: germline.
Comment: This variant is classified as likely benign based on ACMG/AMP sequence variant interpretation guidelines (Richards et al. 2015 PMID: 25741868, with internal and published modifications).

Blueprint Genetics
Classification: Uncertain significance. Last evaluated: 2024-07-08. Review status: criteria provided, single submitter. Criteria: ACMG Guidelines, 2015. Collection method: clinical testing. Allele origin: germline.

NM_173543.3(DZIP1L):c.529A>G (p.Asn177Asp)

Gene: DZIP1L (DAZ interacting zinc finger protein 1 like; minus strand). Cytogenetic location: 3q22.3.
Variant type: single nucleotide variant.
Coding change: c.529A>G on transcript NM_173543.3 (MANE Select); coding-DNA position 529, A replaced by G.
Protein change: p.Asn177Asp; replaces asparagine 177 with aspartic acid.
Molecular consequence: missense variant.
Genome position (GRCh38, 1-based): chr3:138,097,820, T>C on the plus strand (A>G on the coding strand, the complement: DZIP1L is on the minus strand). VCF-style: chr3-138097820-T-C. GRCh37 (hg19) VCF-style: chr3-137816662-T-C.
Other names: c.529A>G, p.Asn177Asp (NM_001170538.1); short protein forms N177D.
Identifiers: ClinVar variation 725827 (VCV000725827.12), dbSNP rs144376816, ClinGen allele CA2635246.